The following is an entry in ClinVar:

NM_006904.7(PRKDC):c.11695G>A (p.Ala3899Thr)

Gene: PRKDC (protein kinase, DNA-activated, catalytic subunit; minus strand). Cytogenetic location: 8q11.21.
Variant type: single nucleotide variant.
Coding change: c.11695G>A on transcript NM_006904.7 (MANE Select); coding-DNA position 11695, G replaced by A.
Protein change: p.Ala3899Thr; replaces alanine 3899 with threonine.
Molecular consequence: missense variant.
Genome position (GRCh38, 1-based): chr8:47,778,617, C>T on the plus strand (G>A on the coding strand, the complement: PRKDC is on the minus strand). VCF-style: chr8-47778617-C-T. GRCh37 (hg19) VCF-style: chr8-48691178-C-T.
Other names: c.11602G>A, p.Ala3868Thr (NM_001081640.2); short protein forms A3899T, A3868T.
Identifiers: ClinVar variation 1482530 (VCV001482530.6), dbSNP rs2154497346, ClinGen allele CA371128769.

ClinVar aggregate classification (germline): Uncertain significance (1 of 4 stars; one submission).

Conditions:
Severe combined immunodeficiency due to DNA-PKcs deficiency. Also called: IMMUNODEFICIENCY 26 WITH NEUROLOGIC ABNORMALITIES; Immunodeficiency 26 with or without neurologic abnormalities. Identifiers: Orphanet 317425, MedGen C4014833, MONDO:0014423, OMIM 615966.

gnomAD v4.1: 2 of 1,613,690 alleles (0.00012%); highest among the groups gnomAD compares: African/African-American, 0.0027%; no homozygotes.

Submission:

Labcorp Genetics (formerly Invitae), Labcorp
Classification: Uncertain significance for Severe combined immunodeficiency due to DNA-PKcs deficiency. Last evaluated: 2025-03-20. Review status: criteria provided, single submitter. Criteria: Invitae Variant Classification Sherloc (09022015). Collection method: clinical testing. Allele origin: germline.
Comment: This sequence change replaces alanine, which is neutral and non-polar, with threonine, which is neutral and polar, at codon 3899 of the PRKDC protein (p.Ala3899Thr). This variant is not present in population databases (gnomAD no frequency). This variant has not been reported in the literature in individuals affected with PRKDC-related conditions. ClinVar contains an entry for this variant (Variation ID: 1482530). Invitae Evidence Modeling of protein sequence and biophysical properties (such as structural, functional, and spatial information, amino acid conservation, physicochemical variation, residue mobility, and thermodynamic stability) indicates that this missense variant is not expected to disrupt PRKDC protein function with a negative predictive value of 80%. Algorithms developed to predict the effect of sequence changes on RNA splicing suggest that this variant may create or strengthen a splice site. In summary, the available evidence is currently insufficient to determine the role of this variant in disease. Therefore, it has been classified as a Variant of Uncertain Significance.